The following is an entry in ClinVar:

ClinVar aggregate classification (germline): Pathogenic. Review status: criteria provided, multiple submitters, no conflicts (2 of 4 stars). 2 submissions from 2 submitters: Pathogenic (2). Last evaluated 2024-01-31.

Submissions (2):

Labcorp Genetics (formerly Invitae), Labcorp
Classification: Pathogenic. Last evaluated: 2024-01-31. Review status: criteria provided, single submitter. Criteria: Invitae Variant Classification Sherloc (09022015). Collection method: clinical testing. Allele origin: germline.
Comment: This sequence change creates a premature translational stop signal (p.Tyr1141Cysfs*36) in the ABCC2 gene. It is expected to result in an absent or disrupted protein product. Loss-of-function variants in ABCC2 are known to be pathogenic (PMID: 9185779, 16549534, 16952291). This variant is not present in population databases (gnomAD no frequency). This variant has not been reported in the literature in individuals affected with ABCC2-related conditions. ClinVar contains an entry for this variant (Variation ID: 596272). For these reasons, this variant has been classified as Pathogenic.

Eurofins Ntd Llc (ga)
Classification: Pathogenic. Last evaluated: 2018-02-22. Review status: criteria provided, single submitter. Criteria: EGL ClinVar v180209 classification definitions. Collection method: clinical testing. Allele origin: germline.

Literature cited by the submitters: PubMed 9185779 (cited by Labcorp Genetics (formerly Invitae), Labcorp); PubMed 16549534 (cited by Labcorp Genetics (formerly Invitae), Labcorp); PubMed 16952291 (cited by Labcorp Genetics (formerly Invitae), Labcorp).

NM_000392.5(ABCC2):c.3422_3423del (p.Tyr1141fs)

Gene: ABCC2 (ATP binding cassette subfamily C member 2; plus strand). Cytogenetic location: 10q24.2.
Variant type: Deletion.
Coding change: c.3422_3423del on transcript NM_000392.5 (MANE Select); coding-DNA positions 3422 to 3423, 2 bases deleted (AT; older notation c.3422_3423delAT).
Protein change: p.Tyr1141fs; shifts the reading frame from tyrosine 1141.
Molecular consequence: frameshift variant.
Genome position (GRCh38, 1-based): chr10:99,836,098-99,836,099, AT deleted; deleting any 2 consecutive bases within chr10:99,836,097-99,836,099 gives the same sequence; the c. name uses the placement nearest the transcript's 3' end. VCF-style (leftmost placement, unchanged base first): chr10-99836096-TTA-T. GRCh37 (hg19) VCF-style: chr10-101595853-TTA-T.
Other names: c.3422_3423del, p.Tyr1141fs (LRG_1208t1); short protein forms Y1141fs.
Identifiers: ClinVar variation 596272 (VCV000596272.8), dbSNP rs774778158, ClinGen allele CA5643806.